The following is an entry in ClinVar:

NM_024675.4(PALB2):c.1839G>A (p.Gln613=)

Gene: PALB2 (partner and localizer of BRCA2; minus strand). Cytogenetic location: 16p12.2.
Variant type: single nucleotide variant.
Coding change: c.1839G>A on transcript NM_024675.4 (MANE Select); coding-DNA position 1839, G replaced by A.
Protein change: p.Gln613=; no amino-acid change (glutamine 613 retained).
Molecular consequence: synonymous variant.
Genome position (GRCh38, 1-based): chr16:23,630,315, C>T on the plus strand (G>A on the coding strand, the complement: PALB2 is on the minus strand). VCF-style: chr16-23630315-C-T. GRCh37 (hg19) VCF-style: chr16-23641636-C-T.
Identifiers: ClinVar variation 215928 (VCV000215928.22), dbSNP rs199682414, ClinGen allele CA337549.
Genomic context (GRCh38, chr16:23,630,315, plus strand): 5'-TTTTTCTGAGCAGGACTTCACTTTTTCAAGCTTAAGAGGTCCAAAGTCTTCATCAGGTAA[C>T]TGAAAGTCTGTGATACTGAGAAAAGACAGTAGTTGCTTTAAACTCAGCATTCCATCCCTA-3'
Protein context (NP_078951.2, residues 603-623): LLSFLSITDF[Gln613=]LPDEDFGPLK

ClinVar aggregate classification (germline): Benign/Likely benign. Review status: criteria provided, multiple submitters, no conflicts (2 of 4 stars). 7 submissions from 7 submitters: Benign (1); Likely benign (5). 1 of the submissions does not count toward it. Last evaluated 2026-01-10.

Conditions:
Hereditary cancer-predisposing syndrome. Also called: Hereditary neoplastic syndrome; Neoplastic Syndromes, Hereditary; Tumor predisposition; Hereditary Cancer Syndrome. Identifiers: Orphanet 140162, MedGen C0027672, MeSH D009386, MONDO:0015356.
Familial pancreatic carcinoma. Identifiers: Orphanet 1333, MedGen C2931038, MONDO:0015278, OMIM 260350.
Familial cancer of breast. Also called: BREAST CANCER, FAMILIAL; Hereditary breast cancer; hereditary breast carcinoma. Identifiers: Orphanet 227535, MedGen C0346153, MONDO:0016419, OMIM 114480. Disease mechanism: loss of function.

Allele frequency attached by ClinVar (database versions not stated): TOPMed below 0.00001; gnomAD exomes 0.00001 and 0.00006; gnomAD 0.00002 and 0.00003; ExAC 0.00006; 1000 Genomes Project 30x 0.00016; 1000 Genomes Project 0.00020.
gnomAD v4.1: 21 of 1,614,178 alleles (0.0013%); highest among the groups gnomAD compares: East Asian, 0.036%; no homozygotes.

Submissions (7):

Labcorp Genetics (formerly Invitae), Labcorp
Classification: Likely benign for Familial cancer of breast. Last evaluated: 2026-01-10. Review status: criteria provided, single submitter. Criteria: Invitae Variant Classification Sherloc (09022015). Collection method: clinical testing. Allele origin: germline.

Myriad Genetics, Inc.
Classification: Benign for Familial cancer of breast. Last evaluated: 2023-03-30. Review status: criteria provided, single submitter. Criteria: Myriad Autosomal Dominant, Autosomal Recessive and X-Linked Classification Criteria (2023). Collection method: clinical testing. Allele origin: unknown.
Comment: This variant is considered benign. This variant is a silent/synonymous amino acid change and it is not expected to impact splicing.

Department of Pathology and Laboratory Medicine, Sinai Health System
Classification: Likely benign for Familial pancreatic carcinoma. Last evaluated: 2021-03-09. Review status: criteria provided, single submitter. Criteria: ACMG Guidelines, 2015. Collection method: clinical testing. Allele origin: germline. Affected: yes.

GeneDx
Classification: Likely benign. Last evaluated: 2018-02-13. Review status: criteria provided, single submitter. Criteria: GeneDx Variant Classification (06012015). Collection method: clinical testing. Allele origin: germline. Affected: yes.
Comment: This variant is considered likely benign or benign based on one or more of the following criteria: it is a conservative change, it occurs at a poorly conserved position in the protein, it is predicted to be benign by multiple in silico algorithms, and/or has population frequency not consistent with disease.

Color Diagnostics, LLC DBA Color Health
Classification: Likely benign for Hereditary cancer-predisposing syndrome. Last evaluated: 2017-05-22. Review status: criteria provided, single submitter. Criteria: ACMG Guidelines, 2015. Collection method: clinical testing. Allele origin: germline.

Ambry Genetics
Classification: Likely benign for Hereditary cancer-predisposing syndrome. Last evaluated: 2015-06-08. Review status: criteria provided, single submitter. Criteria: Ambry Variant Classification Scheme 2023. Collection method: clinical testing. Allele origin: germline.

Counsyl
Classification: Likely benign for Familial cancer of breast. Last evaluated: 2016-06-10. Review status: no assertion criteria provided. Collection method: clinical testing. Allele origin: unknown. Not counted in ClinVar's aggregate classification.